The following is an entry in ClinVar:

ClinVar aggregate classification (germline): Uncertain significance. Review status: criteria provided, multiple submitters, no conflicts (2 of 4 stars). 2 submissions from 2 submitters: Uncertain significance (2). Last evaluated 2025-01-15.

Allele frequency attached by ClinVar (database versions not stated): TOPMed 0.00002; gnomAD 0.00003; gnomAD exomes 0.00003; ExAC 0.00005; 1000 Genomes Project 0.00020; 1000 Genomes Project 30x 0.00031.
gnomAD v4.1: 49 of 1,614,048 alleles (0.003%); highest among the groups gnomAD compares: Admixed American, 0.0067%; no homozygotes.

Submissions (2):

Ambry Genetics
Classification: Uncertain significance. Last evaluated: 2025-01-15. Review status: criteria provided, single submitter. Criteria: Ambry Variant Classification Scheme 2023. Collection method: clinical testing. Allele origin: germline.

Labcorp Genetics (formerly Invitae), Labcorp
Classification: Uncertain significance. Last evaluated: 2024-10-16. Review status: criteria provided, single submitter. Criteria: Invitae Variant Classification Sherloc (09022015). Collection method: clinical testing. Allele origin: germline.
Comment: This sequence change replaces arginine, which is basic and polar, with glutamine, which is neutral and polar, at codon 930 of the MICAL1 protein (p.Arg930Gln). This variant is present in population databases (rs577997278, gnomAD 0.01%). This variant has not been reported in the literature in individuals affected with MICAL1-related conditions. ClinVar contains an entry for this variant (Variation ID: 2174539). An algorithm developed to predict the effect of missense changes on protein structure and function outputs the following: PolyPhen-2: "Benign". The glutamine amino acid residue is found in multiple mammalian species, which suggests that this missense change does not adversely affect protein function. In summary, the available evidence is currently insufficient to determine the role of this variant in disease. Therefore, it has been classified as a Variant of Uncertain Significance.

NM_022765.4(MICAL1):c.2732G>A (p.Arg911Gln)

Gene: MICAL1 (microtubule associated monooxygenase, calponin and LIM domain containing 1; minus strand). Cytogenetic location: 6q21.
Variant type: single nucleotide variant.
Coding change: c.2732G>A on transcript NM_022765.4 (MANE Select); coding-DNA position 2732, G replaced by A.
Protein change: p.Arg911Gln; replaces arginine 911 with glutamine.
Molecular consequence: missense variant.
Genome position (GRCh38, 1-based): chr6:109,445,471, C>T on the plus strand (G>A on the coding strand, the complement: MICAL1 is on the minus strand). VCF-style: chr6-109445471-C-T. GRCh37 (hg19) VCF-style: chr6-109766674-C-T.
Other names: c.2474G>A, p.Arg825Gln (NM_001159291.2); c.2789G>A, p.Arg930Gln (NM_001286613.2); c.2732G>A (NM_022765.3); short protein forms R825Q, R911Q, R930Q.
Identifiers: ClinVar variation 2174539 (VCV002174539.5), dbSNP rs577997278, ClinGen allele CA3952784.